The following is an entry in ClinVar:

ClinVar aggregate classification (germline): Uncertain significance (1 of 4 stars; one submission).

Conditions:
Hereditary nonpolyposis colorectal neoplasms. Identifiers: MedGen C0009405, MeSH D003123.

Submission:

Labcorp Genetics (formerly Invitae), Labcorp
Classification: Uncertain significance for Hereditary nonpolyposis colorectal neoplasms. Last evaluated: 2022-05-19. Review status: criteria provided, single submitter. Criteria: Invitae Variant Classification Sherloc (09022015). Collection method: clinical testing. Allele origin: germline.
Comment: In summary, the available evidence is currently insufficient to determine the role of this variant in disease. Therefore, it has been classified as a Variant of Uncertain Significance. Experimental studies and prediction algorithms are not available or were not evaluated, and the functional significance of this variant is currently unknown. This variant has not been reported in the literature in individuals affected with MSH6-related conditions. This variant is not present in population databases (gnomAD no frequency). This sequence change creates a premature translational stop signal (p.Cys1337Alafs*9) in the MSH6 gene. While this is not anticipated to result in nonsense mediated decay, it is expected to disrupt the last 24 amino acid(s) of the MSH6 protein.

NM_000179.3(MSH6):c.4009del (p.Cys1337fs)

Gene: MSH6 (mutS homolog 6; plus strand). Cytogenetic location: 2p16.3.
Variant type: Deletion.
Coding change: c.4009del on transcript NM_000179.3 (MANE Select); coding-DNA position 4009, one base deleted (T; older notation c.4009delT).
Protein change: p.Cys1337fs; shifts the reading frame from cysteine 1337.
Molecular consequence: frameshift variant.
Genome position (GRCh38, 1-based): chr2:47,806,786, T deleted; the last of 3 consecutive T bases (chr2:47,806,784-47,806,786); deleting any one gives the same sequence. VCF-style (leftmost placement, unchanged base first): chr2-47806783-GT-G. GRCh37 (hg19) VCF-style: chr2-48033922-GT-G.
Other names: c.3619del, p.Cys1207fs (NM_001281492.2); c.3103del, p.Cys1035fs (NM_001281493.2, NM_001281494.2); c.4105delT, p.Cys1369Alafs (NM_001406795.1); c.4009delT, p.Cys1337Alafs (NM_001406796.1, NM_001406809.1); c.3712delT, p.Cys1238Alafs (NM_001406797.1, NM_001406805.1, NM_001406818.1 and 8 more transcripts); c.3835delT, p.Cys1279Alafs (NM_001406798.1); c.3484delT, p.Cys1162Alafs (NM_001406799.1, NM_001406806.1, NM_001406807.1); c.*30delT (NM_001406800.1); and 12 more; short protein forms C1337fs, C1035fs, C1207fs.
Identifiers: ClinVar variation 1996571 (VCV001996571.4), dbSNP rs1553333981, ClinGen allele CA2580067589.